The following is an entry in ClinVar:

ClinVar aggregate classification (germline): Uncertain significance (1 of 4 stars; one submission).

Conditions:
Familial adenomatous polyposis 1 (FAP1). Also called: FAMILIAL ADENOMATOUS POLYPOSIS 1, ATTENUATED; POLYPOSIS, ADENOMATOUS INTESTINAL. Identifiers: MedGen C2713442, MONDO:0021056, OMIM 175100. Disease mechanism: loss of function.

Submission:

Labcorp Genetics (formerly Invitae), Labcorp
Classification: Uncertain significance for Familial adenomatous polyposis 1. Last evaluated: 2024-08-19. Review status: criteria provided, single submitter. Criteria: Invitae Variant Classification Sherloc (09022015). Collection method: clinical testing. Allele origin: germline.
Comment: This variant occurs in a non-coding region of the APC gene. It does not change the encoded amino acid sequence of the APC protein. This variant is not present in population databases (gnomAD no frequency). This variant has not been reported in the literature in individuals affected with APC-related conditions. Experimental studies and prediction algorithms are not available or were not evaluated, and the functional significance of this variant is currently unknown. In summary, the available evidence is currently insufficient to determine the role of this variant in disease. Therefore, it has been classified as a Variant of Uncertain Significance.

NM_001127511.3(APC):c.-127G>C

Gene: APC (APC regulator of Wnt signaling pathway; plus strand). Cytogenetic location: 5q22.2.
Variant type: single nucleotide variant.
Coding change: c.-127G>C on transcript NM_001127511.3; 127 bases upstream of the start codon, G replaced by C.
Molecular consequence: 5 prime UTR variant. On other transcripts: non-coding transcript variant (2).
Genome position (GRCh38, 1-based): chr5:112,707,591, G>C. VCF-style: chr5-112707591-G-C. GRCh37 (hg19) VCF-style: chr5-112043288-G-C.
Other names: c.-310G>C (NM_001354895.2, NM_001407447.1, NM_001407452.1 and 3 more transcripts); c.-127G>C (NM_001354897.2, NM_001354902.2, NM_001407446.1); c.-77G>C (NM_001407448.1, NM_001407450.1, NM_001407457.1 and 1 more transcripts); c.-101G>C (NM_001407453.1); c.-1345G>C (NM_001407470.1, NM_001407472.1).
Identifiers: ClinVar variation 1429672 (VCV001429672.6), dbSNP rs1235543350, ClinGen allele CA2573138782.